The following is an entry in ClinVar:

NM_001347721.2(DYRK1A):c.286A>T (p.Lys96Ter)

Gene: DYRK1A (dual specificity tyrosine phosphorylation regulated kinase 1A; plus strand). Cytogenetic location: 21q22.13.
Variant type: single nucleotide variant.
Coding change: c.286A>T on transcript NM_001347721.2 (MANE Select); coding-DNA position 286, A replaced by T.
Protein change: p.Lys96Ter; replaces lysine 96 with a stop codon.
Molecular consequence: nonsense.
Genome position (GRCh38, 1-based): chr21:37,478,286, A>T. VCF-style: chr21-37478286-A-T. GRCh37 (hg19) VCF-style: chr21-38850588-A-T.
Other names: c.286A>T, p.Lys96Ter (NM_001347722.2, NM_130436.2); c.199A>T, p.Lys67Ter (NM_001347723.2); c.313A>T, p.Lys105Ter (NM_001396.5, NM_101395.2, NM_130438.2); short protein forms K105*, K67*, K96*.
Identifiers: ClinVar variation 1806084 (VCV001806084.1), dbSNP rs1555979164, ClinGen allele CA409943651.

ClinVar aggregate classification (germline): Pathogenic (1 of 4 stars; one submission).

Conditions:
DYRK1A-related intellectual disability syndrome (MRD7). Also called: DYRK1A Syndrome; Intellectual developmental disorder, autosomal dominant 7. Identifiers: Orphanet 464306, MedGen C5568143, MONDO:0013578, OMIM 614104.

Submission:

Victorian Clinical Genetics Services, Murdoch Childrens Research Institute
Classification: Pathogenic for DYRK1A-related intellectual disability syndrome. Last evaluated: 2019-08-28. Review status: criteria provided, single submitter. Criteria: ACMG Guidelines, 2015. Collection method: clinical testing. Allele origin: germline. Inheritance: Autosomal dominant inheritance. Affected: yes.
Comment: A heterozygous nonsense variant was identified, NM_001396.4(DYRK1A):c.313A>T in exon 4 of 12 of the DYRK1A gene. This nonsense variant is predicted to create a change of lysine to a stop at amino acid position 105 of the protein, NP_001387.2(DYRK1A):p.(Lys105*), resulting in the loss of normal protein function through nonsense-mediated decay (NMD). The variant is not present in the gnomAD population database and has not been previously reported in clinical cases. Other variants predicted to cause NMD have been reported as pathogenic in individuals with DYRK1A-related intellectual disability (ClinVar, Bronicki et al. 2015). Based on information available at the time of curation, this variant has been classified as PATHOGENIC.